The following is an entry in ClinVar:

ClinVar aggregate classification (germline): Uncertain significance (1 of 4 stars; one submission).

Allele frequency attached by ClinVar (database versions not stated): 1000 Genomes Project 30x 0.00016; 1000 Genomes Project 0.00020; ESP Exome Variant Server 0.00085; gnomAD 0.00088; ExAC 0.00092; TOPMed 0.00102; gnomAD exomes 0.00144.
gnomAD v4.1: 2,210 of 1,607,242 alleles (0.14%); highest among the groups gnomAD compares: Non-Finnish European, 0.17%; 4 homozygotes.

Submission:

Labcorp Genetics (formerly Invitae), Labcorp
Classification: Uncertain significance. Last evaluated: 2025-12-29. Review status: criteria provided, single submitter. Criteria: Invitae Variant Classification Sherloc (09022015). Collection method: clinical testing. Allele origin: germline.
Comment: This sequence change replaces cysteine, which is neutral and slightly polar, with arginine, which is basic and polar, at codon 838 of the INTU protein (p.Cys838Arg). This variant is present in population databases (rs144025772, gnomAD 0.2%), and has an allele count higher than expected for a pathogenic variant. This variant has not been reported in the literature in individuals affected with INTU-related conditions. ClinVar contains an entry for this variant (Variation ID: 2049085). Invitae Evidence Modeling of protein sequence and biophysical properties (such as structural, functional, and spatial information, amino acid conservation, physicochemical variation, residue mobility, and thermodynamic stability) indicates that this missense variant is expected to disrupt INTU protein function with a positive predictive value of 80%. In summary, the available evidence is currently insufficient to determine the role of this variant in disease. Therefore, it has been classified as a Variant of Uncertain Significance.

NM_015693.4(INTU):c.2512T>C (p.Cys838Arg)

Gene: INTU (inturned planar cell polarity protein; plus strand). Cytogenetic location: 4q28.1.
Variant type: single nucleotide variant.
Coding change: c.2512T>C on transcript NM_015693.4 (MANE Select); coding-DNA position 2512, T replaced by C.
Protein change: p.Cys838Arg; replaces cysteine 838 with arginine.
Molecular consequence: missense variant.
Genome position (GRCh38, 1-based): chr4:127,711,055, T>C. VCF-style: chr4-127711055-T-C. GRCh37 (hg19) VCF-style: chr4-128632210-T-C.
Other names: short protein forms C838R.
Identifiers: ClinVar variation 2049085 (VCV002049085.4), dbSNP rs144025772, ClinGen allele CA3075347.